The following is an entry in ClinVar:

ClinVar aggregate classification (germline): Uncertain significance. Review status: criteria provided, multiple submitters, no conflicts (2 of 4 stars). 3 submissions from 3 submitters: Uncertain significance (3). Last evaluated 2025-09-29.

Conditions:
Noonan syndrome 10 (NS10). Identifiers: Orphanet 648, MedGen C4225280, MONDO:0014693, OMIM 616564.
Noonan syndrome 2 (NS2). Identifiers: Orphanet 648, MedGen C1854469, MONDO:0011531, OMIM 605275.
LZTR1-related schwannomatosis. Also called: Schwannomatosis 2; Schwannomatosis-2, susceptibility to. Identifiers: Orphanet 93921, MedGen C3810283, MONDO:0014299, OMIM 615670.
Cardiovascular phenotype. Identifiers: MedGen CN230736.
Hereditary cancer-predisposing syndrome. Also called: Hereditary Cancer Syndrome; Hereditary neoplastic syndrome; Neoplastic Syndromes, Hereditary; Tumor predisposition. Identifiers: Orphanet 140162, MedGen C0027672, MeSH D009386, MONDO:0015356.

Allele frequency attached by ClinVar (database versions not stated): ExAC 0.00001; gnomAD 0.00001; gnomAD exomes 0.00001; TOPMed 0.00001.
gnomAD v4.1: 10 of 1,613,454 alleles (0.00062%); highest among the groups gnomAD compares: South Asian, 0.0011%; no homozygotes.

Submissions (3):

Labcorp Genetics (formerly Invitae), Labcorp
Classification: Uncertain significance. Last evaluated: 2025-09-29. Review status: criteria provided, single submitter. Criteria: Invitae Variant Classification Sherloc (09022015). Collection method: clinical testing. Allele origin: germline.
Comment: This sequence change replaces glutamic acid, which is acidic and polar, with lysine, which is basic and polar, at codon 431 of the LZTR1 protein (p.Glu431Lys). This variant is present in population databases (rs756500067, gnomAD 0.003%). This variant has not been reported in the literature in individuals affected with LZTR1-related conditions. ClinVar contains an entry for this variant (Variation ID: 1769111). Invitae Evidence Modeling of protein sequence and biophysical properties (such as structural, functional, and spatial information, amino acid conservation, physicochemical variation, residue mobility, and thermodynamic stability) indicates that this missense variant is not expected to disrupt LZTR1 protein function with a negative predictive value of 80%. In summary, the available evidence is currently insufficient to determine the role of this variant in disease. Therefore, it has been classified as a Variant of Uncertain Significance.

Ambry Genetics
Classification: Uncertain significance for Cardiovascular phenotype; Hereditary cancer-predisposing syndrome. Last evaluated: 2024-09-09. Review status: criteria provided, single submitter. Criteria: Ambry Variant Classification Scheme 2023. Collection method: clinical testing. Allele origin: germline.
Comment: The p.E431K variant (also known as c.1291G>A), located in coding exon 12 of the LZTR1 gene, results from a G to A substitution at nucleotide position 1291. The glutamic acid at codon 431 is replaced by lysine, an amino acid with similar properties. This amino acid position is highly conserved in available vertebrate species. In addition, the in silico prediction for this alteration is inconclusive. Since supporting evidence is limited at this time, the clinical significance of this alteration remains unclear.

Fulgent Genetics
Classification: Uncertain significance for Noonan syndrome 2; LZTR1-related schwannomatosis; Noonan syndrome 10. Last evaluated: 2024-01-03. Review status: criteria provided, single submitter. Criteria: ACMG Guidelines, 2015. Collection method: clinical testing. Allele origin: germline.

NM_006767.4(LZTR1):c.1291G>A (p.Glu431Lys)

Gene: LZTR1 (leucine zipper like post translational regulator 1; plus strand). Cytogenetic location: 22q11.21.
Variant type: single nucleotide variant.
Coding change: c.1291G>A on transcript NM_006767.4 (MANE Select); coding-DNA position 1291, G replaced by A.
Protein change: p.Glu431Lys; replaces glutamic acid 431 with lysine.
Molecular consequence: missense variant.
Genome position (GRCh38, 1-based): chr22:20,993,692, G>A. VCF-style: chr22-20993692-G-A. GRCh37 (hg19) VCF-style: chr22-21347981-G-A.
Other names: short protein forms E431K.
Identifiers: ClinVar variation 1769111 (VCV001769111.7), dbSNP rs756500067, ClinGen allele CA10118805.